The following is an entry in ClinVar:

ClinVar aggregate classification (germline): Uncertain significance (1 of 4 stars; one submission).

Conditions:
Immunodeficiency. Identifiers: MedGen C0021051, MONDO:0021094, HP:0002721.

Allele frequency attached by ClinVar (database versions not stated): gnomAD exomes 0.00001; gnomAD 0.00007; TOPMed 0.00009.

Submission:

Labcorp Genetics (formerly Invitae), Labcorp
Classification: Uncertain significance for Immunodeficiency. Last evaluated: 2025-12-18. Review status: criteria provided, single submitter. Criteria: Invitae Variant Classification Sherloc (09022015). Collection method: clinical testing. Allele origin: germline.
Comment: This sequence change replaces leucine, which is neutral and non-polar, with isoleucine, which is neutral and non-polar, at codon 48 of the NFAT5 protein (p.Leu48Ile). This variant is present in population databases (no rsID available, gnomAD 0.02%). This variant has not been reported in the literature in individuals affected with NFAT5-related conditions. ClinVar contains an entry for this variant (Variation ID: 1035855). An algorithm developed to predict the effect of missense changes on protein structure and function (PolyPhen-2) suggests that this variant is likely to be tolerated. In summary, the available evidence is currently insufficient to determine the role of this variant in disease. Therefore, it has been classified as a Variant of Uncertain Significance.

NM_138713.4(NFAT5):c.424T>A (p.Leu142Ile)

Gene: NFAT5 (nuclear factor of activated T cells 5; plus strand). Cytogenetic location: 16q22.1.
Variant type: single nucleotide variant.
Coding change: c.424T>A on transcript NM_138713.4 (MANE Select); coding-DNA position 424, T replaced by A.
Protein change: p.Leu142Ile; replaces leucine 142 with isoleucine.
Molecular consequence: missense variant. On other transcripts: intron variant (1).
Genome position (GRCh38, 1-based): chr16:69,647,198, T>A. VCF-style: chr16-69647198-T-A. GRCh37 (hg19) VCF-style: chr16-69681101-T-A.
Other names: c.424T>A, p.Leu142Ile (NM_001113178.3); c.370T>A, p.Leu124Ile (NM_006599.4); c.142T>A, p.Leu48Ile (NM_138714.4, NM_173214.3, NM_173215.3); c.140+31T>A (NM_001367709.1); short protein forms L142I, L124I, L48I.
Identifiers: ClinVar variation 1035855 (VCV001035855.8), dbSNP rs1005932189, ClinGen allele CA283342868.
Genomic context (GRCh38, chr16:69,647,198, plus strand): 5'-CAAGTGGAGAGCTGCTCCTCAGCCGTGGGGGTAAGTAACAGAGGGGTAAGTGAAAAGCAG[T>A]TAACCAGTAACACAGTTCAGCAGCATCCATCAACACCGAAGAGGCACACAGTCTTGTACA-3'
Protein context (NP_619727.2, residues 132-152): VSNRGVSEKQ[Leu142Ile]TSNTVQQHPS